The following is an entry in ClinVar:

ClinVar aggregate classification (germline): Uncertain significance (1 of 4 stars; one submission).

Conditions:
SEMA3C-related disorder. Also called: SEMA3C-related condition.

gnomAD v4.1: 1 of 1,610,338 alleles (0.000062%); highest among the groups gnomAD compares: Non-Finnish European, 0.000085%; no homozygotes.

Submission:

PreventionGenetics, part of Exact Sciences
Classification: Uncertain significance for SEMA3C-related condition. Last evaluated: 2026-04-08. Review status: criteria provided, single submitter. Criteria: ACMG Guidelines, 2015. Collection method: clinical testing. Allele origin: germline.
Comment: The SEMA3C c.653G>A variant is predicted to result in the amino acid substitution p.Arg218Gln. To our knowledge, this variant has not been reported in the literature. This variant is reported in 0.0018% of alleles in individuals of European (Non-Finnish) descent in gnomAD. At this time, the clinical significance of this variant is uncertain due to the absence of conclusive functional and genetic evidence.

NM_006379.5(SEMA3C):c.599G>A (p.Arg200Gln)

Gene: SEMA3C (semaphorin 3C; minus strand). Cytogenetic location: 7q21.11.
Variant type: single nucleotide variant.
Coding change: c.599G>A on transcript NM_006379.5 (MANE Select); coding-DNA position 599, G replaced by A.
Protein change: p.Arg200Gln; replaces arginine 200 with glutamine.
Molecular consequence: missense variant.
Genome position (GRCh38, 1-based): chr7:80,805,698, C>T on the plus strand (G>A on the coding strand, the complement: SEMA3C is on the minus strand). VCF-style: chr7-80805698-C-T. GRCh37 (hg19) VCF-style: chr7-80435014-C-T.
Other names: c.653G>A, p.Arg218Gln (NM_001350120.2); c.425G>A, p.Arg142Gln (NM_001350121.2); short protein forms R142Q, R200Q, R218Q.
Identifiers: ClinVar variation 4996827 (VCV004996827.1).
Genomic context (GRCh38, chr7:80,805,698, plus strand): 5'-CCACTTAGCCATTTGGAATTATGTTGATCAGTTCTGACCGCATTCCTCTTGGTTAAACTT[C>T]GAAAAATAGCAGCATCTGTCCCCATGAAATCTATATACATTCCAGAGAAAAGCTCCTCAT-3'
Protein context (NP_006370.1, residues 190-210): DFMGTDAAIF[Arg200Gln]SLTKRNAVRT